The following is an entry in ClinVar:

NM_003072.5(SMARCA4):c.2042C>T (p.Thr681Ile)

Gene: SMARCA4 (SWI/SNF related BAF chromatin remodeling complex subunit ATPase 4; plus strand). Cytogenetic location: 19p13.2.
Variant type: single nucleotide variant.
Coding change: c.2042C>T on transcript NM_003072.5 (MANE Select); coding-DNA position 2042, C replaced by T.
Protein change: p.Thr681Ile; replaces threonine 681 with isoleucine.
Molecular consequence: missense variant. On other transcripts: non-coding transcript variant (1).
Genome position (GRCh38, 1-based): chr19:11,007,942, C>T. VCF-style: chr19-11007942-C-T. GRCh37 (hg19) VCF-style: chr19-11118618-C-T.
Other names: c.2042C>T, p.Thr681Ile (NM_001128844.3, NM_001128845.2, NM_001128846.2 and 4 more transcripts); short protein forms T681I.
Identifiers: ClinVar variation 813587 (VCV000813587.15), dbSNP rs2088398438, ClinGen allele CA404052453.

ClinVar aggregate classification (germline): Uncertain significance. Review status: criteria provided, multiple submitters, no conflicts (2 of 4 stars). 4 submissions from 4 submitters: Uncertain significance (3). 1 of the submissions does not count toward it. Last evaluated 2026-09-18.

Conditions:
Hereditary cancer-predisposing syndrome. Also called: Neoplastic Syndromes, Hereditary; Hereditary Cancer Syndrome; Tumor predisposition; Hereditary neoplastic syndrome. Identifiers: Orphanet 140162, MedGen C0027672, MeSH D009386, MONDO:0015356.
Microcephaly. Also called: Microcephaly (disease). Identifiers: MedGen C4551563, MONDO:0001149, HP:0000252.
SMARCA4-related disorder. Also called: SMARCA4-related condition.
Rhabdoid tumor predisposition syndrome 2 (RTPS2). Identifiers: Orphanet 231108, Orphanet 69077, MedGen C2750074, MONDO:0013224, OMIM 613325.

Allele frequency attached by ClinVar (database versions not stated): gnomAD exomes 0.00001.
gnomAD v4.1: 3 of 1,613,696 alleles (0.00019%); highest among the groups gnomAD compares: East Asian, 0.0067%; no homozygotes.

Submissions (4):

PreventionGenetics, part of Exact Sciences
Classification: Uncertain significance for SMARCA4-related condition. Last evaluated: 2026-09-18. Review status: criteria provided, single submitter. Criteria: ACMG Guidelines, 2015. Collection method: clinical testing. Allele origin: germline.
Comment: The SMARCA4 c.2042C>T variant is predicted to result in the amino acid substitution p.Thr681Ile. This variant has been reported in an individual with a neurodevelopmental disorder (Supplemental Table 1, Valencia et al. 2023. PubMed ID: 37500730). This variant has not been reported in a large population database (gnomAD), indicating this variant is rare. This variant is interpreted as uncertain in ClinVar (Variation ID: 813587). At this time, the clinical significance of this variant is uncertain due to the absence of conclusive functional and genetic evidence.

Labcorp Genetics (formerly Invitae), Labcorp
Classification: Uncertain significance for Rhabdoid tumor predisposition syndrome 2. Last evaluated: 2025-03-04. Review status: criteria provided, single submitter. Criteria: Invitae Variant Classification Sherloc (09022015). Collection method: clinical testing. Allele origin: germline.
Comment: This sequence change replaces threonine, which is neutral and polar, with isoleucine, which is neutral and non-polar, at codon 681 of the SMARCA4 protein (p.Thr681Ile). This variant is not present in population databases (gnomAD no frequency). This missense change has been observed in individual(s) with neurodevelopmental disorders (PMID: 37500730). ClinVar contains an entry for this variant (Variation ID: 813587). An algorithm developed to predict the effect of missense changes on protein structure and function (PolyPhen-2) suggests that this variant is likely to be tolerated. In summary, the available evidence is currently insufficient to determine the role of this variant in disease. Therefore, it has been classified as a Variant of Uncertain Significance.

Ambry Genetics
Classification: Uncertain significance for Hereditary cancer-predisposing syndrome. Last evaluated: 2024-04-02. Review status: criteria provided, single submitter. Criteria: Ambry Variant Classification Scheme 2023. Collection method: clinical testing. Allele origin: germline.
Comment: The p.T681I variant (also known as c.2042C>T), located in coding exon 13 of the SMARCA4 gene, results from a C to T substitution at nucleotide position 2042. The threonine at codon 681 is replaced by isoleucine, an amino acid with similar properties. This amino acid position is not well conserved in available vertebrate species. In addition, this alteration is predicted to be tolerated by in silico analysis. Missense and in-frame variants in SMARCA4 are known to cause neurodevelopmental disorders; however, such associations with rhabdoid tumor predisposition syndrome including small cell carcinoma of the ovary-hypercalcemic type (SCCOHT) are exceedingly rare (Kosho T et al. Am J Med Genet C Semin Med Genet. 2014 Sep;166C(3):262-75; Jelinic P et al. Nat Genet. 2014 May;46(5):424-6). Based on the supporting evidence, the association of this alteration with Coffin-Siris syndrome is unknown; however, the association of this alteration with rhabdoid tumor predisposition syndromeis unlikely.

Department of Pediatrics, Samsung Medical Center, Samsung Medical Center
Classification: Uncertain significance for Microcephaly. Review status: no assertion criteria provided. Criteria: ACMG Guidelines, 2015. Collection method: research. Allele origin: germline. Affected: yes. Not counted in ClinVar's aggregate classification.

Literature cited by the submitters: PubMed 37500730 (cited by Labcorp Genetics (formerly Invitae), Labcorp).